The following is an entry in ClinVar:

NM_001349798.2(FBXW7):c.1757G>A (p.Gly586Glu)

Gene: FBXW7 (F-box and WD repeat domain containing 7; minus strand). Cytogenetic location: 4q31.3.
Variant type: single nucleotide variant.
Coding change: c.1757G>A on transcript NM_001349798.2 (MANE Select); coding-DNA position 1757, G replaced by A.
Protein change: p.Gly586Glu; replaces glycine 586 with glutamic acid.
Molecular consequence: missense variant.
Genome position (GRCh38, 1-based): chr4:152,324,282, C>T on the plus strand (G>A on the coding strand, the complement: FBXW7 is on the minus strand). VCF-style: chr4-152324282-C-T. GRCh37 (hg19) VCF-style: chr4-153245434-C-T.
Other names: c.1403G>A, p.Gly468Glu (NM_001013415.2); c.1517G>A, p.Gly506Glu (NM_018315.5); c.1757G>A, p.Gly586Glu (NM_033632.3); short protein forms G468E, G506E, G586E.
Identifiers: ClinVar variation 3391628 (VCV003391628.1).

ClinVar aggregate classification (germline): Uncertain significance (1 of 4 stars; one submission).

Submission:

GeneDx
Classification: Uncertain significance. Last evaluated: 2024-06-21. Review status: criteria provided, single submitter. Criteria: GeneDx Variant Classification Process June 2021. Collection method: clinical testing. Allele origin: germline. Affected: yes.
Comment: Not observed at significant frequency in large population cohorts (gnomAD); In silico analysis supports that this missense variant has a deleterious effect on protein structure/function; Has not been previously published as pathogenic or benign to our knowledge